The following is an entry in ClinVar:

NM_004380.3(CREBBP):c.292G>A (p.Gly98Ser)

Gene: CREBBP (CREB binding lysine acetyltransferase; minus strand). Cytogenetic location: 16p13.3.
Variant type: single nucleotide variant.
Coding change: c.292G>A on transcript NM_004380.3 (MANE Select); coding-DNA position 292, G replaced by A.
Protein change: p.Gly98Ser; replaces glycine 98 with serine.
Molecular consequence: missense variant.
Genome position (GRCh38, 1-based): chr16:3,850,803, C>T on the plus strand (G>A on the coding strand, the complement: CREBBP is on the minus strand). VCF-style: chr16-3850803-C-T. GRCh37 (hg19) VCF-style: chr16-3900804-C-T.
Other names: c.292G>A, p.Gly98Ser (NM_001079846.1); short protein forms G98S.
Identifiers: ClinVar variation 3054740 (VCV003054740.5), dbSNP rs767736927, ClinGen allele CA7870701.
Genomic context (GRCh38, chr16:3,850,803, plus strand): 5'-TGGCACTGAGGCTGGCCATGTTAGCACTGTTCGGCTGCCCTTGAGCCTGGCCACCCAGGC[C>T]CTGCTGCACGGGGCTGCTGGCGCTCACATTTCCTATTCCTGGGTTGATACTAGAGCCGCT-3'
Protein context (NP_004371.2, residues 88-108): NVSASSPVQQ[Gly98Ser]LGGQAQGQPN

ClinVar aggregate classification (germline): Uncertain significance. Review status: criteria provided, multiple submitters, no conflicts (2 of 4 stars). 3 submissions from 3 submitters: Uncertain significance (2). 1 of the submissions does not count toward it. Last evaluated 2024-07-31.

Conditions:
Inborn genetic diseases. Identifiers: MedGen C0950123, MeSH D030342.
Rubinstein-Taybi syndrome (RSTS). Identifiers: Orphanet 783, MedGen C0035934, MONDO:0019188.
CREBBP-related disorder. Also called: CREBBP-related disorders; CREBBP-related condition.

Allele frequency attached by ClinVar (database versions not stated): gnomAD exomes below 0.00001; TOPMed below 0.00001; ExAC 0.00001.

Submissions (3):

Ambry Genetics
Classification: Uncertain significance for Inborn genetic diseases. Last evaluated: 2024-07-31. Review status: criteria provided, single submitter. Criteria: Ambry Variant Classification Scheme 2023. Collection method: clinical testing. Allele origin: germline.

Labcorp Genetics (formerly Invitae), Labcorp
Classification: Uncertain significance for Rubinstein-Taybi syndrome. Last evaluated: 2024-04-20. Review status: criteria provided, single submitter. Criteria: Invitae Variant Classification Sherloc (09022015). Collection method: clinical testing. Allele origin: germline.
Comment: This sequence change replaces glycine, which is neutral and non-polar, with serine, which is neutral and polar, at codon 98 of the CREBBP protein (p.Gly98Ser). This variant is present in population databases (rs767736927, gnomAD 0.003%). This variant has not been reported in the literature in individuals affected with CREBBP-related conditions. Advanced modeling of protein sequence and biophysical properties (such as structural, functional, and spatial information, amino acid conservation, physicochemical variation, residue mobility, and thermodynamic stability) has been performed at Invitae for this missense variant, however the output from this modeling did not meet the statistical confidence thresholds required to predict the impact of this variant on CREBBP protein function. In summary, the available evidence is currently insufficient to determine the role of this variant in disease. Therefore, it has been classified as a Variant of Uncertain Significance.

PreventionGenetics, part of Exact Sciences
Classification: Uncertain significance for CREBBP-related condition. Last evaluated: 2024-02-21. Review status: no assertion criteria provided. Collection method: clinical testing. Allele origin: germline. Not counted in ClinVar's aggregate classification.
Comment: The CREBBP c.292G>A variant is predicted to result in the amino acid substitution p.Gly98Ser. To our knowledge, this variant has not been reported in the literature. This variant is reported in 0.0029% of alleles in individuals of Latino descent in gnomAD. At this time, the clinical significance of this variant is uncertain due to the absence of conclusive functional and genetic evidence.